The following is an entry in ClinVar:

NM_000702.4(ATP1A2):c.1679G>C (p.Gly560Ala)

Gene: ATP1A2 (ATPase Na+/K+ transporting subunit alpha 2; plus strand). Cytogenetic location: 1q23.2.
Variant type: single nucleotide variant.
Coding change: c.1679G>C on transcript NM_000702.4 (MANE Select); coding-DNA position 1679, G replaced by C.
Protein change: p.Gly560Ala; replaces glycine 560 with alanine.
Molecular consequence: missense variant.
Genome position (GRCh38, 1-based): chr1:160,130,449, G>C. VCF-style: chr1-160130449-G-C. GRCh37 (hg19) VCF-style: chr1-160100239-G-C.
Other names: short protein forms G560A.
Identifiers: ClinVar variation 964317 (VCV000964317.12), dbSNP rs779448658, ClinGen allele CA31497958.

ClinVar aggregate classification (germline): Uncertain significance. Review status: criteria provided, multiple submitters, no conflicts (2 of 4 stars). 2 submissions from 2 submitters: Uncertain significance (2). Last evaluated 2026-08-03.

Conditions:
Familial hemiplegic migraine. Identifiers: MedGen C0338484, MONDO:0000700.

Allele frequency attached by ClinVar (database versions not stated): gnomAD exomes below 0.00001; gnomAD 0.00001; TOPMed 0.00001.
gnomAD v4.1: 20 of 1,614,108 alleles (0.0012%); highest among the groups gnomAD compares: Admixed American, 0.0017%; no homozygotes.

Submissions (2):

GeneDx
Classification: Uncertain significance. Last evaluated: 2026-08-03. Review status: criteria provided, single submitter. Criteria: GeneDx Variant Classification Process June 2021. Collection method: clinical testing. Allele origin: germline.
Comment: Reported previously in 1% of 100 healthy control individuals that were relatives of patients with familial hemiplegic migraine (PMID: 16088919); Not observed at significant frequency in large population cohorts (gnomAD); In silico analysis suggests that this missense variant does not alter protein structure/function; This variant is associated with the following publications: (PMID: 18184292, 16088919)

Labcorp Genetics (formerly Invitae), Labcorp
Classification: Uncertain significance for Familial hemiplegic migraine. Last evaluated: 2025-06-04. Review status: criteria provided, single submitter. Criteria: Invitae Variant Classification Sherloc (09022015). Collection method: clinical testing. Allele origin: germline.
Comment: This sequence change replaces glycine, which is neutral and non-polar, with alanine, which is neutral and non-polar, at codon 560 of the ATP1A2 protein (p.Gly560Ala). This variant is present in population databases (rs779448658, gnomAD 0.0009%). This variant has not been reported in the literature in individuals affected with ATP1A2-related conditions. ClinVar contains an entry for this variant (Variation ID: 964317). Invitae Evidence Modeling of protein sequence and biophysical properties (such as structural, functional, and spatial information, amino acid conservation, physicochemical variation, residue mobility, and thermodynamic stability) indicates that this missense variant is not expected to disrupt ATP1A2 protein function with a negative predictive value of 80%. In summary, the available evidence is currently insufficient to determine the role of this variant in disease. Therefore, it has been classified as a Variant of Uncertain Significance.